The following is an entry in ClinVar:

ClinVar aggregate classification (germline): Uncertain significance. Review status: criteria provided, multiple submitters, no conflicts (2 of 4 stars). 2 submissions from 2 submitters: Uncertain significance (2). Last evaluated 2026-01-09.

Conditions:
EGFR-related lung cancer (EGFR). Identifiers: MedGen CN130014.
Hereditary cancer-predisposing syndrome. Also called: Hereditary Cancer Syndrome; Neoplastic Syndromes, Hereditary; Tumor predisposition; Hereditary neoplastic syndrome. Identifiers: Orphanet 140162, MedGen C0027672, MeSH D009386, MONDO:0015356.

Allele frequency attached by ClinVar (database versions not stated): gnomAD exomes below 0.00001.
gnomAD v4.1: 1 of 1,614,196 alleles (0.000062%); highest among the groups gnomAD compares: Non-Finnish European, 0.000085%; no homozygotes.

Submissions (2):

Ambry Genetics
Classification: Uncertain significance for Hereditary cancer-predisposing syndrome. Last evaluated: 2026-01-09. Review status: criteria provided, single submitter. Criteria: Ambry Variant Classification Scheme 2023. Collection method: clinical testing. Allele origin: germline.
Comment: The p.G779D variant (also known as c.2336G>A), located in coding exon 20 of the EGFR gene, results from a G to A substitution at nucleotide position 2336. The glycine at codon 779 is replaced by aspartic acid, an amino acid with similar properties. This amino acid position is highly conserved in available vertebrate species. In addition, this alteration is predicted to be deleterious by in silico analysis. Based on the available evidence, the clinical significance of this variant remains unclear.

Labcorp Genetics (formerly Invitae), Labcorp
Classification: Uncertain significance for EGFR-related lung cancer. Last evaluated: 2023-04-10. Review status: criteria provided, single submitter. Criteria: Invitae Variant Classification Sherloc (09022015). Collection method: clinical testing. Allele origin: germline.
Comment: This sequence change replaces glycine, which is neutral and non-polar, with aspartic acid, which is acidic and polar, at codon 779 of the EGFR protein (p.Gly779Asp). In summary, the available evidence is currently insufficient to determine the role of this variant in disease. Therefore, it has been classified as a Variant of Uncertain Significance. Advanced modeling of protein sequence and biophysical properties (such as structural, functional, and spatial information, amino acid conservation, physicochemical variation, residue mobility, and thermodynamic stability) performed at Invitae indicates that this missense variant is expected to disrupt EGFR protein function. ClinVar contains an entry for this variant (Variation ID: 1019301). This variant has not been reported in the literature in individuals affected with EGFR-related conditions. This variant is not present in population databases (gnomAD no frequency).

NM_005228.5(EGFR):c.2336G>A (p.Gly779Asp)

Genes: EGFR-AS1 (EGFR antisense RNA 1; minus strand), EGFR (epidermal growth factor receptor; plus strand). Cytogenetic location: 7p11.2.
Variant type: single nucleotide variant.
Coding change: c.2336G>A on transcript NM_005228.5 (MANE Select); coding-DNA position 2336, G replaced by A.
Protein change: p.Gly779Asp; replaces glycine 779 with aspartic acid.
Molecular consequence: missense variant. On other transcripts: non-coding transcript variant (1).
Genome position (GRCh38, 1-based): chr7:55,181,345, G>A. VCF-style: chr7-55181345-G-A. GRCh37 (hg19) VCF-style: chr7-55249038-G-A.
Other names: c.2201G>A, p.Gly734Asp (NM_001346897.2, NM_001346899.2); c.2336G>A, p.Gly779Asp (NM_001346898.2); c.2177G>A, p.Gly726Asp (NM_001346900.2); c.1535G>A, p.Gly512Asp (NM_001346941.2); c.2336G>A (NM_005228.3); short protein forms G512D, G726D, G734D, G779D.
Identifiers: ClinVar variation 1019301 (VCV001019301.9), dbSNP rs397517120, ClinGen allele CA367578783.
Genomic context (GRCh38, chr7:55,181,345, plus strand): 5'-CCCTCCAGGAAGCCTACGTGATGGCCAGCGTGGACAACCCCCACGTGTGCCGCCTGCTGG[G>A]CATCTGCCTCACCTCCACCGTGCAGCTCATCACGCAGCTCATGCCCTTCGGCTGCCTCCT-3'
Protein context (NP_005219.2, residues 769-789): VDNPHVCRLL[Gly779Asp]ICLTSTVQLI